The following is an entry in ClinVar:

NM_013247.5(HTRA2):c.67A>G (p.Ile23Val)

Gene: HTRA2 (HtrA serine peptidase 2; plus strand). Cytogenetic location: 2p13.1.
Variant type: single nucleotide variant.
Coding change: c.67A>G on transcript NM_013247.5 (MANE Select); coding-DNA position 67, A replaced by G.
Protein change: p.Ile23Val; replaces isoleucine 23 with valine.
Molecular consequence: missense variant. On other transcripts: non-coding transcript variant (1).
Genome position (GRCh38, 1-based): chr2:74,530,073, A>G. VCF-style: chr2-74530073-A-G. GRCh37 (hg19) VCF-style: chr2-74757200-A-G.
Other names: c.67A>G, p.Ile23Val (NM_001321727.1, NM_001321728.1, NM_145074.2); short protein forms I23V.
Identifiers: ClinVar variation 3769934 (VCV003769934.2).

ClinVar aggregate classification (germline): Uncertain significance. Review status: criteria provided, multiple submitters, no conflicts (2 of 4 stars). 2 submissions from 2 submitters: Uncertain significance (2). Last evaluated 2024-12-12.

Conditions:
Inborn genetic diseases. Identifiers: MedGen C0950123, MeSH D030342.

Submissions (2):

Ambry Genetics
Classification: Uncertain significance for Inborn genetic diseases. Last evaluated: 2024-12-12. Review status: criteria provided, single submitter. Criteria: Ambry Variant Classification Scheme 2023. Collection method: clinical testing. Allele origin: germline.

GeneDx
Classification: Uncertain significance. Last evaluated: 2024-09-11. Review status: criteria provided, single submitter. Criteria: GeneDx Variant Classification Process June 2021. Collection method: clinical testing. Allele origin: germline. Affected: yes.
Comment: Not observed at significant frequency in large population cohorts (gnomAD); In silico analysis indicates that this missense variant does not alter protein structure/function; Has not been previously published as pathogenic or benign to our knowledge